The following is an entry in ClinVar:

ClinVar aggregate classification (germline): Uncertain significance. Review status: criteria provided, multiple submitters, no conflicts (2 of 4 stars). 2 submissions from 2 submitters: Uncertain significance (2). Last evaluated 2026-03-01.

Conditions:
EFEMP1-related disorder. Also called: EFEMP1-related condition.

gnomAD v4.1: 145 of 1,614,070 alleles (0.009%); highest among the groups gnomAD compares: Admixed American, 0.013%; no homozygotes.

Submissions (2):

PreventionGenetics, part of Exact Sciences
Classification: Uncertain significance for EFEMP1-related condition. Last evaluated: 2026-03-01. Review status: criteria provided, single submitter. Criteria: ACMG Guidelines, 2015. Collection method: clinical testing. Allele origin: germline.
Comment: The EFEMP1 c.426C>A variant is predicted to result in the amino acid substitution p.Asn142Lys. This variant has been reported in an individual with retinal or optic nerve disease (Table S12, Diñeiro et al. 2020. PubMed ID: 32483926). This variant is reported in 0.0080% of alleles in individuals of African descent in gnomAD. At this time, the clinical significance of this variant is uncertain due to the absence of conclusive functional and genetic evidence.

Labcorp Genetics (formerly Invitae), Labcorp
Classification: Uncertain significance. Last evaluated: 2025-12-29. Review status: criteria provided, single submitter. Criteria: Invitae Variant Classification Sherloc (09022015). Collection method: clinical testing. Allele origin: germline.
Comment: This sequence change replaces asparagine, which is neutral and polar, with lysine, which is basic and polar, at codon 142 of the EFEMP1 protein (p.Asn142Lys). This variant is present in population databases (rs756850765, gnomAD 0.008%). This missense change has been observed in individual(s) with vision loss (PMID: 32483926). ClinVar contains an entry for this variant (Variation ID: 1423572). An algorithm developed to predict the effect of missense changes on protein structure and function (PolyPhen-2) suggests that this variant is likely to be tolerated. In summary, the available evidence is currently insufficient to determine the role of this variant in disease. Therefore, it has been classified as a Variant of Uncertain Significance.

Literature cited by the submitters: PubMed 32483926 (cited by Labcorp Genetics (formerly Invitae), Labcorp).

NM_001039348.3(EFEMP1):c.426C>A (p.Asn142Lys)

Gene: EFEMP1 (EGF-like fibulin extracellular matrix protein 1; minus strand). Cytogenetic location: 2p16.1.
Variant type: single nucleotide variant.
Coding change: c.426C>A on transcript NM_001039348.3 (MANE Select); coding-DNA position 426, C replaced by A.
Protein change: p.Asn142Lys; replaces asparagine 142 with lysine.
Molecular consequence: missense variant.
Genome position (GRCh38, 1-based): chr2:55,917,756, G>T on the plus strand (C>A on the coding strand, the complement: EFEMP1 is on the minus strand). VCF-style: chr2-55917756-G-T. GRCh37 (hg19) VCF-style: chr2-56144891-G-T.
Other names: c.426C>A, p.Asn142Lys (NM_001039349.3); c.426C>A (NM_001039348.2); short protein forms N142K.
Identifiers: ClinVar variation 1423572 (VCV001423572.7), dbSNP rs756850765, ClinGen allele CA1668944.